The following is an entry in ClinVar:

ClinVar aggregate classification (germline): Conflicting classifications of pathogenicity. Review status: criteria provided, conflicting classifications (1 of 4 stars). 3 submissions from 3 submitters: Likely pathogenic (2); Uncertain significance (1). Last evaluated 2025-06-02.

Conditions:
DYX1C1-CCPG1-related disorders.

Allele frequency attached by ClinVar (database versions not stated): TOPMed below 0.00001.
gnomAD v4.1: 8 of 1,509,802 alleles (0.00053%); highest among the groups gnomAD compares: Admixed American, 0.0047%; no homozygotes.

Submissions (3):

Labcorp Genetics (formerly Invitae), Labcorp
Classification: Likely pathogenic. Last evaluated: 2025-06-02. Review status: criteria provided, single submitter. Criteria: Invitae Variant Classification Sherloc (09022015). Collection method: clinical testing. Allele origin: germline.
Comment: This sequence change falls in intron 4 of the DNAAF4 gene. It does not directly change the encoded amino acid sequence of the DNAAF4 protein. This variant is not present in population databases (gnomAD no frequency). This variant has been observed in individual(s) with autosomal recessive primary ciliary dyskinesia (internal data). In at least one individual the data is consistent with being in trans (on the opposite chromosome) from a pathogenic variant. ClinVar contains an entry for this variant (Variation ID: 454961). Algorithms developed to predict the effect of sequence changes on RNA splicing suggest that this variant may disrupt the consensus splice site. In summary, the currently available evidence indicates that the variant is pathogenic, but additional data are needed to prove that conclusively. Therefore, this variant has been classified as Likely Pathogenic.

GeneDx
Classification: Uncertain significance. Last evaluated: 2022-06-21. Review status: criteria provided, single submitter. Criteria: GeneDx Variant Classification Process June 2021. Collection method: clinical testing. Allele origin: germline. Affected: yes.
Comment: Not observed at significant frequency in large population cohorts (gnomAD); Has not been previously published as pathogenic or benign to our knowledge; In-silico analysis is inconclusive as to whether the variant alters gene splicing. In the absence of RNA/functional studies, the actual effect of this sequence change is unknown.

Blueprint Genetics
Classification: Likely pathogenic for DYX1C1-CCPG1-related disorders. Last evaluated: 2021-11-16. Review status: criteria provided, single submitter. Criteria: ACMG Guidelines, 2015. Collection method: clinical testing. Allele origin: germline. Affected: yes. Observed: 2 variant alleles.

NM_130810.4(DNAAF4):c.406-10A>G

Genes: DNAAF4 (dynein axonemal assembly factor 4; minus strand), DNAAF4-CCPG1 (DNAAF4-CCPG1 readthrough (NMD candidate); minus strand). Cytogenetic location: 15q21.3.
Variant type: single nucleotide variant.
Coding change: c.406-10A>G on transcript NM_130810.4 (MANE Select); 10 bases into the intron before coding-DNA position 406, A replaced by G.
Molecular consequence: intron variant.
Genome position (GRCh38, 1-based): chr15:55,467,171, T>C on the plus strand (A>G on the coding strand, the complement: DNAAF4 is on the minus strand). VCF-style: chr15-55467171-T-C. GRCh37 (hg19) VCF-style: chr15-55759369-T-C.
Other names: c.406-10A>G (NM_001033560.2, NM_001033559.3).
Identifiers: ClinVar variation 454961 (VCV000454961.11), dbSNP rs760805307, ClinGen allele CA270807916.